The following is an entry in ClinVar:

NM_152703.5(SAMD9L):c.37G>A (p.Asp13Asn)

Gene: SAMD9L (sterile alpha motif domain containing 9 like; minus strand). Cytogenetic location: 7q21.2.
Variant type: single nucleotide variant.
Coding change: c.37G>A on transcript NM_152703.5 (MANE Select); coding-DNA position 37, G replaced by A.
Protein change: p.Asp13Asn; replaces aspartic acid 13 with asparagine.
Molecular consequence: missense variant.
Genome position (GRCh38, 1-based): chr7:93,135,935, C>T on the plus strand (G>A on the coding strand, the complement: SAMD9L is on the minus strand). VCF-style: chr7-93135935-C-T. GRCh37 (hg19) VCF-style: chr7-92765248-C-T.
Other names: c.37G>A, p.Asp13Asn (NM_001303496.3, NM_001303497.3, NM_001303498.3 and 5 more transcripts); short protein forms D13N.
Identifiers: ClinVar variation 1400751 (VCV001400751.7), dbSNP rs776951739, ClinGen allele CA4343943.

ClinVar aggregate classification (germline): Uncertain significance (1 of 4 stars; one submission).

Submission:

Labcorp Genetics (formerly Invitae), Labcorp
Classification: Uncertain significance. Last evaluated: 2025-11-06. Review status: criteria provided, single submitter. Criteria: Invitae Variant Classification Sherloc (09022015). Collection method: clinical testing. Allele origin: germline.
Comment: This sequence change replaces aspartic acid, which is acidic and polar, with asparagine, which is neutral and polar, at codon 13 of the SAMD9L protein (p.Asp13Asn). This variant is present in population databases (rs776951739, gnomAD 0.006%). This variant has not been reported in the literature in individuals affected with SAMD9L-related conditions. ClinVar contains an entry for this variant (Variation ID: 1400751). An algorithm developed to predict the effect of missense changes on protein structure and function outputs the following: PolyPhen-2: "Benign". The asparagine amino acid residue is found in multiple mammalian species, which suggests that this missense change does not adversely affect protein function. In summary, the available evidence is currently insufficient to determine the role of this variant in disease. Therefore, it has been classified as a Variant of Uncertain Significance.